The following is an entry in ClinVar:

ClinVar aggregate classification (germline): Likely benign (0 of 4 stars; one submission).

Conditions:
FSIP2-related disorder. Also called: FSIP2-related condition.

Allele frequency attached by ClinVar (database versions not stated): gnomAD 0.00032; TOPMed 0.00038; gnomAD exomes 0.00071.
gnomAD v4.1: 1,033 of 1,531,326 alleles (0.067%); highest among the groups gnomAD compares: Non-Finnish European, 0.084%; no homozygotes.

Submission:

PreventionGenetics, part of Exact Sciences
Classification: Likely benign for FSIP2-related condition. Last evaluated: 2019-02-22. Review status: no assertion criteria provided. Collection method: clinical testing. Allele origin: germline.
Comment: This variant is classified as likely benign based on ACMG/AMP sequence variant interpretation guidelines (Richards et al. 2015 PMID: 25741868, with internal and published modifications).

NM_173651.4(FSIP2):c.2712T>C (p.Tyr904=)

Genes: FSIP2 (fibrous sheath interacting protein 2; plus strand), FSIP2-AS1 (FSIP2 antisense RNA 1; minus strand). Cytogenetic location: 2q32.1.
Variant type: single nucleotide variant.
Coding change: c.2712T>C on transcript NM_173651.4 (MANE Select); coding-DNA position 2712, T replaced by C.
Protein change: p.Tyr904=; no amino-acid change (tyrosine 904 retained).
Molecular consequence: synonymous variant.
Genome position (GRCh38, 1-based): chr2:185,789,848, T>C. VCF-style: chr2-185789848-T-C. GRCh37 (hg19) VCF-style: chr2-186654575-T-C.
Identifiers: ClinVar variation 3058661 (VCV003058661.2), dbSNP rs764752616, ClinGen allele CA61748579.